The following is an entry in ClinVar:

ClinVar aggregate classification (germline): Benign/Likely benign. Review status: criteria provided, multiple submitters, no conflicts (2 of 4 stars). 15 submissions from 15 submitters: Benign (8); Likely benign (4). 3 of the submissions do not count toward it. Last evaluated 2026-09-01.

Conditions:
Autosomal recessive limb-girdle muscular dystrophy type 2A (LGMDR1). Also called: LEYDEN-MOEBIUS MUSCULAR DYSTROPHY; MUSCULAR DYSTROPHY, PELVOFEMORAL; Muscular dystrophy, limb-girdle, type 2A, Amish; Limb-girdle muscular dystrophy, type 2A; Calpainopathy. Identifiers: Orphanet 267, MedGen C1869123, MONDO:0009675, OMIM 253600. Disease mechanism: loss of function.
Muscular dystrophy, limb-girdle, autosomal dominant 4. Also called: MUSCULAR DYSTROPHY, LIMB-GIRDLE, TYPE 1I; Calpain-3-related limb-girdle muscular dystrophy D4. Identifiers: Orphanet 565909, MedGen C4748295, MONDO:0029133, OMIM 618129.

Allele frequency attached by ClinVar (database versions not stated): 1000 Genomes Project 30x 0.00219; 1000 Genomes Project 0.00240; TOPMed 0.00552; ESP Exome Variant Server 0.00646; gnomAD 0.00661 and 0.00719; gnomAD exomes 0.00853; ExAC 0.01043.
gnomAD v4.1: 13,789 of 1,613,074 alleles (0.85%); highest among the groups gnomAD compares: Non-Finnish European, 0.98%; 93 homozygotes.

Submissions (15):

CeGaT Center for Human Genetics Tuebingen
Classification: Likely benign. Last evaluated: 2026-09-01. Review status: criteria provided, single submitter. Criteria: CeGaT Center For Human Genetics Tuebingen Variant Classification Criteria Version 2. Collection method: clinical testing. Allele origin: germline. Affected: yes. Observed: 16 variant alleles.
Comment: CAPN3: BS2

Labcorp Genetics (formerly Invitae), Labcorp
Classification: Benign for Autosomal recessive limb-girdle muscular dystrophy type 2A. Last evaluated: 2026-02-04. Review status: criteria provided, single submitter. Criteria: Invitae Variant Classification Sherloc (09022015). Collection method: clinical testing. Allele origin: germline.

Blueprint Genetics
Classification: Likely benign. Last evaluated: 2024-11-27. Review status: criteria provided, single submitter. Criteria: ACMG Guidelines, 2015. Collection method: clinical testing. Allele origin: germline.

Fulgent Genetics
Classification: Benign for Autosomal recessive limb-girdle muscular dystrophy type 2A; Muscular dystrophy, limb-girdle, autosomal dominant 4. Last evaluated: 2022-04-18. Review status: criteria provided, single submitter. Criteria: ACMG Guidelines, 2015. Collection method: clinical testing. Allele origin: unknown.

Mayo Clinic Laboratories, Mayo Clinic
Classification: Benign. Last evaluated: 2017-12-04. Review status: criteria provided, single submitter. Criteria: ACMG Guidelines, 2015. Collection method: clinical testing. Allele origin: germline. Observed: 10 variant alleles.

Athena Diagnostics
Classification: Benign. Last evaluated: 2017-09-05. Review status: criteria provided, single submitter. Criteria: Athena Diagnostics Criteria. Collection method: clinical testing. Allele origin: germline.

Illumina Laboratory Services, Illumina
Classification: Benign for Limb-girdle muscular dystrophy, type 2A. Last evaluated: 2017-04-27. Review status: criteria provided, single submitter. Criteria: ICSL Variant Classification Criteria 13 December 2019. Collection method: clinical testing. Allele origin: germline.
Comment: This variant was observed as part of a predisposition screen in an ostensibly healthy population. A literature search was performed for the gene, cDNA change, and amino acid change (where applicable). Publications were found based on this search. The evidence from the literature, in combination with allele frequency data from public databases where available, was sufficient to rule this variant out of causing disease. Therefore, this variant is classified as benign.

Laboratory for Molecular Medicine, Mass General Brigham Personalized Medicine
Classification: Benign. Last evaluated: 2017-03-06. Review status: criteria provided, single submitter. Criteria: LMM Criteria. Collection method: clinical testing. Allele origin: germline. Observed: 1 variant allele.
Comment: p.Glu107Lys in exon 2 of CAPN3: This variant is not expected to have clinical si gnificance because it has been identified in 2.8% (188/66736) of European (Finni sh) chromosomes including 2 homozygotes by the Exome Aggregation Consortium (ExA C; dbSNP rs150616566)

GeneDx
Classification: Benign. Last evaluated: 2016-01-25. Review status: criteria provided, single submitter. Criteria: GeneDx Variant Classification (06012015). Collection method: clinical testing. Allele origin: germline. Affected: yes.
Comment: This variant is considered likely benign or benign based on one or more of the following criteria: it is a conservative change, it occurs at a poorly conserved position in the protein, it is predicted to be benign by multiple in silico algorithms, and/or has population frequency not consistent with disease.

Eurofins Ntd Llc (ga)
Classification: Benign. Last evaluated: 2015-03-25. Review status: criteria provided, single submitter. Criteria: EGL Classification Definitions 2015. Collection method: clinical testing. Allele origin: germline. Observed: 1 variant allele, 1 heterozygote.

Breakthrough Genomics
Classification: Likely benign. Review status: criteria provided, single submitter. Criteria: ACMG Guidelines, 2015. Collection method: not provided. Allele origin: germline. Inheritance: Autosomal recessive inheritance. Affected: yes.

PreventionGenetics, part of Exact Sciences
Classification: Likely benign. Review status: criteria provided, single submitter. Criteria: ACMG Guidelines, 2015. Collection method: clinical testing. Allele origin: germline.

Natera, Inc.
Classification: Benign for Limb-girdle muscular dystrophy type 2A. Last evaluated: 2020-01-13. Review status: no assertion criteria provided. Collection method: clinical testing. Allele origin: germline. Not counted in ClinVar's aggregate classification.

Genome Diagnostics Laboratory, University Medical Center Utrecht
Classification: Likely benign. Review status: no assertion criteria provided. Collection method: clinical testing. Allele origin: germline. Affected: yes. Study: VKGL Data-share Consensus. Not counted in ClinVar's aggregate classification.

Laboratory of Diagnostic Genome Analysis, Leiden University Medical Center (LUMC)
Classification: Benign. Review status: no assertion criteria provided. Collection method: clinical testing. Allele origin: germline. Affected: yes. Study: VKGL Data-share Consensus. Not counted in ClinVar's aggregate classification.

Literature cited by the submitters: PubMed 26060040 (cited by Athena Diagnostics and Illumina Laboratory Services, Illumina); PubMed 10330340 (cited by Athena Diagnostics and Illumina Laboratory Services, Illumina); PubMed 16141003 (cited by Illumina Laboratory Services, Illumina).

NM_000070.3(CAPN3):c.319G>A (p.Glu107Lys)

Gene: CAPN3 (calpain 3; plus strand). Cytogenetic location: 15q15.1.
Variant type: single nucleotide variant.
Coding change: c.319G>A on transcript NM_000070.3 (MANE Select); coding-DNA position 319, G replaced by A.
Protein change: p.Glu107Lys; replaces glutamic acid 107 with lysine.
Molecular consequence: missense variant.
Genome position (GRCh38, 1-based): chr15:42,384,492, G>A. VCF-style: chr15-42384492-G-A. GRCh37 (hg19) VCF-style: chr15-42676690-G-A.
Other names: c.319G>A, p.Glu107Lys (NM_024344.2, NM_173087.2); short protein forms E107K.
Identifiers: ClinVar variation 195011 (VCV000195011.61), dbSNP rs1801505, ClinGen allele CA201500.